The following is an entry in ClinVar:

ClinVar aggregate classification (germline): Uncertain significance. Review status: criteria provided, multiple submitters, no conflicts (2 of 4 stars). 3 submissions from 3 submitters: Uncertain significance (3). Last evaluated 2024-11-03.

Conditions:
Cardiovascular phenotype. Identifiers: MedGen CN230736.
Brugada syndrome. Also called: Sudden Unexplained Death Syndrome; Sudden Unexplained Nocturnal Death Syndrome (SUNDS); Sudden unexpected nocturnal death syndrome; Sudden unexplained nocturnal death syndrome. Identifiers: Orphanet 130, MedGen C1142166, MONDO:0015263.

Allele frequency attached by ClinVar (database versions not stated): gnomAD exomes below 0.00001 and 0.00001; ExAC 0.00001; gnomAD 0.00001.
gnomAD v4.1: 6 of 1,590,904 alleles (0.00038%); highest among the groups gnomAD compares: African/African-American, 0.0013%; no homozygotes.

Submissions (3):

Ambry Genetics
Classification: Uncertain significance for Cardiovascular phenotype. Last evaluated: 2024-11-03. Review status: criteria provided, single submitter. Criteria: Ambry Variant Classification Scheme 2023. Collection method: clinical testing. Allele origin: germline.
Comment: The p.I156T variant (also known as c.467T>C), located in coding exon 3 of the SCN10A gene, results from a T to C substitution at nucleotide position 467. The isoleucine at codon 156 is replaced by threonine, an amino acid with similar properties. This amino acid position is conserved. In addition, the in silico prediction for this alteration is inconclusive. Based on the available evidence, the clinical significance of this variant remains unclear.

GeneDx
Classification: Uncertain significance. Last evaluated: 2023-05-17. Review status: criteria provided, single submitter. Criteria: GeneDx Variant Classification Process June 2021. Collection method: clinical testing. Allele origin: germline. Affected: yes.
Comment: Not observed at significant frequency in large population cohorts (gnomAD); In silico analysis supports that this missense variant does not alter protein structure/function; Has not been previously published as pathogenic or benign to our knowledge

Labcorp Genetics (formerly Invitae), Labcorp
Classification: Uncertain significance for Brugada syndrome. Last evaluated: 2022-05-03. Review status: criteria provided, single submitter. Criteria: Invitae Variant Classification Sherloc (09022015). Collection method: clinical testing. Allele origin: germline.
Comment: This sequence change replaces isoleucine, which is neutral and non-polar, with threonine, which is neutral and polar, at codon 156 of the SCN10A protein (p.Ile156Thr). In summary, the available evidence is currently insufficient to determine the role of this variant in disease. Therefore, it has been classified as a Variant of Uncertain Significance. Advanced modeling of protein sequence and biophysical properties (such as structural, functional, and spatial information, amino acid conservation, physicochemical variation, residue mobility, and thermodynamic stability) performed at Invitae indicates that this missense variant is not expected to disrupt SCN10A protein function. This variant has not been reported in the literature in individuals affected with SCN10A-related conditions. This variant is present in population databases (rs773812695, gnomAD 0.007%).

NM_006514.4(SCN10A):c.467T>C (p.Ile156Thr)

Gene: SCN10A (sodium voltage-gated channel alpha subunit 10; minus strand). Cytogenetic location: 3p22.2.
Variant type: single nucleotide variant.
Coding change: c.467T>C on transcript NM_006514.4 (MANE Select); coding-DNA position 467, T replaced by C.
Protein change: p.Ile156Thr; replaces isoleucine 156 with threonine.
Molecular consequence: missense variant.
Genome position (GRCh38, 1-based): chr3:38,788,959, A>G on the plus strand (T>C on the coding strand, the complement: SCN10A is on the minus strand). VCF-style: chr3-38788959-A-G. GRCh37 (hg19) VCF-style: chr3-38830450-A-G.
Other names: c.467T>C, p.Ile156Thr (NM_001293306.2, NM_001293307.2); c.467T>C (NM_006514.2); short protein forms I156T.
Identifiers: ClinVar variation 1424620 (VCV001424620.10), dbSNP rs773812695, ClinGen allele CA2321199.